The following is an entry in ClinVar:

ClinVar aggregate classification (germline): Uncertain significance (1 of 4 stars; one submission).

Allele frequency attached by ClinVar (database versions not stated): ExAC 0.00002; gnomAD exomes below 0.00001; TOPMed below 0.00001.
gnomAD v4.1: 4 of 1,612,304 alleles (0.00025%); highest among the groups gnomAD compares: Admixed American, 0.0034%; no homozygotes.

Submissions (2):

Labcorp Genetics (formerly Invitae), Labcorp
Classification: Uncertain significance. Last evaluated: 2022-06-03. Review status: criteria provided, single submitter. Criteria: Invitae Variant Classification Sherloc (09022015). Collection method: clinical testing. Allele origin: germline.
Comment: In summary, the available evidence is currently insufficient to determine the role of this variant in disease. Therefore, it has been classified as a Variant of Uncertain Significance. Algorithms developed to predict the effect of missense changes on protein structure and function (SIFT, PolyPhen-2, Align-GVGD) all suggest that this variant is likely to be tolerated. This variant has not been reported in the literature in individuals affected with PRPF4-related conditions. This sequence change replaces isoleucine, which is neutral and non-polar, with valine, which is neutral and non-polar, at codon 67 of the PRPF4 protein (p.Ile67Val). This variant is present in population databases (rs770151743, gnomAD 0.006%).

Dr. Peter K. Rogan Lab, Western University
No classification provided (evidence only). Condition: Squamous cell carcinoma of the head and neck. Review status: no classification provided. Collection method: in vitro. Allele origin: not applicable. Functional consequence: retained intron. Not counted in ClinVar's aggregate classification.

NM_001244926.2(PRPF4):c.196A>G (p.Ile66Val)

Gene: PRPF4 (pre-mRNA splicing tri-snRNP complex factor PRPF4; plus strand). Cytogenetic location: 9q32.
Variant type: single nucleotide variant.
Coding change: c.196A>G on transcript NM_001244926.2 (MANE Select); coding-DNA position 196, A replaced by G.
Protein change: p.Ile66Val; replaces isoleucine 66 with valine.
Molecular consequence: missense variant. On other transcripts: 5 prime UTR variant (2), non-coding transcript variant (2).
Genome position (GRCh38, 1-based): chr9:113,276,716, A>G. VCF-style: chr9-113276716-A-G. GRCh37 (hg19) VCF-style: chr9-116038996-A-G.
Other names: c.-570A>G (NM_001322266.2, NM_001322267.2); c.199A>G, p.Ile67Val (NM_004697.5); short protein forms I67V, I66V.
Identifiers: ClinVar variation 2132420 (VCV002132420.5), dbSNP rs770151743, ClinGen allele CA5194791.